The following is an entry in ClinVar:

NM_001025195.2(CES1):c.1023T>G (p.Asn341Lys)

Gene: CES1 (carboxylesterase 1; minus strand). Cytogenetic location: 16q12.2.
Variant type: single nucleotide variant.
Coding change: c.1023T>G on transcript NM_001025195.2 (MANE Select); coding-DNA position 1023, T replaced by G.
Protein change: p.Asn341Lys; replaces asparagine 341 with lysine.
Molecular consequence: missense variant.
Genome position (GRCh38, 1-based): chr16:55,812,966, A>C on the plus strand (T>G on the coding strand, the complement: CES1 is on the minus strand). VCF-style: chr16-55812966-A-C. GRCh37 (hg19) VCF-style: chr16-55846878-A-C.
Other names: c.1020T>G, p.Asn340Lys (NM_001025194.2, NM_001266.5); short protein forms N340K, N341K.
Identifiers: ClinVar variation 4821308 (VCV004821308.4).

ClinVar aggregate classification (germline): Likely benign (1 of 4 stars; one submission).

gnomAD v4.1: 595 of 1,614,036 alleles (0.037%); highest among the groups gnomAD compares: South Asian, 0.47%; 6 homozygotes.

Submission:

CeGaT Center for Human Genetics Tuebingen
Classification: Likely benign. Last evaluated: 2026-02-01. Review status: criteria provided, single submitter. Criteria: CeGaT Center For Human Genetics Tuebingen Variant Classification Criteria Version 2. Collection method: clinical testing. Allele origin: germline. Affected: yes. Observed: 1 variant allele.
Comment: CES1: BP4